The following is an entry in ClinVar:

NM_002907.4(RECQL):c.277A>G (p.Arg93Gly)

Gene: RECQL (RecQ like helicase; minus strand). Cytogenetic location: 12p12.1.
Variant type: single nucleotide variant.
Coding change: c.277A>G on transcript NM_002907.4 (MANE Select); coding-DNA position 277, A replaced by G.
Protein change: p.Arg93Gly; replaces arginine 93 with glycine.
Molecular consequence: missense variant.
Genome position (GRCh38, 1-based): chr12:21,490,316, T>C on the plus strand (A>G on the coding strand, the complement: RECQL is on the minus strand). VCF-style: chr12-21490316-T-C. GRCh37 (hg19) VCF-style: chr12-21643250-T-C.
Other names: c.277A>G, p.Arg93Gly (NM_032941.3); short protein forms R93G.
Identifiers: ClinVar variation 2474577 (VCV002474577.2), dbSNP rs774829869, ClinGen allele CA6479141.

ClinVar aggregate classification (germline): Uncertain significance (1 of 4 stars; one submission).

Allele frequency attached by ClinVar (database versions not stated): gnomAD exomes below 0.00001; ExAC 0.00001.
gnomAD v4.1: 2 of 1,613,112 alleles (0.00012%); highest among the groups gnomAD compares: Non-Finnish European, 0.00017%; no homozygotes.

Submission:

Ambry Genetics
Classification: Uncertain significance. Last evaluated: 2024-03-12. Review status: criteria provided, single submitter. Criteria: Ambry Variant Classification Scheme 2023. Collection method: clinical testing. Allele origin: germline.
Comment: The p.R93G variant (also known as c.277A>G), located in coding exon 3 of the RECQL gene, results from an A to G substitution at nucleotide position 277. The arginine at codon 93 is replaced by glycine, an amino acid with dissimilar properties. This amino acid position is conserved. In addition, this alteration is predicted to be deleterious by in silico analysis. Based on the available evidence, the clinical significance of this alteration remains unclear.